The following is an entry in ClinVar:

NM_005996.4(TBX3):c.1070_1080del (p.Ala357fs)

Gene: TBX3 (T-box transcription factor 3; minus strand). Cytogenetic location: 12q24.21.
Variant type: Deletion.
Coding change: c.1070_1080del on transcript NM_005996.4 (MANE Select); coding-DNA positions 1070 to 1080, 11 bases deleted (CCGAGGCCGAG).
Protein change: p.Ala357fs; shifts the reading frame from alanine 357.
Molecular consequence: frameshift variant.
Genome position (GRCh38, 1-based): chr12:114,674,795-114,674,805, CTCGGCCTCGG deleted on the plus strand (CCGAGGCCGAG on the coding strand, the reverse complement: TBX3 is on the minus strand); deleting any 11 consecutive bases within chr12:114,674,795-114,674,806 gives the same sequence; the c. name uses the placement nearest the transcript's 3' end. VCF-style (leftmost placement, unchanged base first): chr12-114674794-TCTCGGCCTCGG-T. GRCh37 (hg19) VCF-style: chr12-115112599-TCTCGGCCTCGG-T.
Other names: c.1130_1140del, p.Ala377fs (NM_016569.4); short protein forms A357fs, A377fs.
Identifiers: ClinVar variation 1070549 (VCV001070549.7), dbSNP rs1237767989, ClinGen allele CA2499221458.

ClinVar aggregate classification (germline): Pathogenic (1 of 4 stars; one submission).

Conditions:
Ulnar-mammary syndrome (UMS). Also called: SCHINZEL SYNDROME; Ulnar-mammary syndrome of Pallister; PALLISTER ULNAR-MAMMARY SYNDROME. Identifiers: Orphanet 3138, MedGen C1866994, MONDO:0008411, OMIM 181450.

Submission:

Labcorp Genetics (formerly Invitae), Labcorp
Classification: Pathogenic for Ulnar-mammary syndrome. Last evaluated: 2020-06-01. Review status: criteria provided, single submitter. Criteria: Invitae Variant Classification Sherloc (09022015). Collection method: clinical testing. Allele origin: germline.
Comment: This sequence change creates a premature translational stop signal (p.Ala357Glufs*26) in the TBX3 gene. It is expected to result in an absent or disrupted protein product. This variant is not present in population databases (ExAC no frequency). This variant has not been reported in the literature in individuals with TBX3-related conditions. Loss-of-function variants in TBX3 are known to be pathogenic (PMID: 12668170, 16896345). For these reasons, this variant has been classified as Pathogenic.

Literature cited by the submitters: PubMed 12668170; PubMed 16896345.